The following is an entry in ClinVar:

NM_003982.4(SLC7A7):c.40G>A (p.Glu14Lys)

Gene: SLC7A7 (solute carrier family 7 member 7; minus strand). Cytogenetic location: 14q11.2.
Variant type: single nucleotide variant.
Coding change: c.40G>A on transcript NM_003982.4 (MANE Select); coding-DNA position 40, G replaced by A.
Protein change: p.Glu14Lys; replaces glutamic acid 14 with lysine.
Molecular consequence: missense variant.
Genome position (GRCh38, 1-based): chr14:22,813,359, C>T on the plus strand (G>A on the coding strand, the complement: SLC7A7 is on the minus strand). VCF-style: chr14-22813359-C-T. GRCh37 (hg19) VCF-style: chr14-23282568-C-T.
Other names: c.40G>A, p.Glu14Lys (NM_001126105.3, NM_001126106.4); short protein forms E14K.
Identifiers: ClinVar variation 1427382 (VCV001427382.5), dbSNP rs2138664158, ClinGen allele CA388923655.
Genomic context (GRCh38, chr14:22,813,359, plus strand): 5'-TCAGCTTCACCTGCTCCGGCCCTGGGCTGGCCCCATCACCCAAAGGGGAGGTTTCCACCT[C>T]AGGCTGGGAGGCCACTTCATACTCAGTGCTGTCAACCATGGTGGAGGAGAGGAAACCCTT-3'
Protein context (NP_003973.3, residues 4-24): STEYEVASQP[Glu14Lys]VETSPLGDGA

ClinVar aggregate classification (germline): Uncertain significance (1 of 4 stars; one submission).

Conditions:
Lysinuric protein intolerance (LPI). Identifiers: Orphanet 470, MedGen C0268647, MONDO:0009109, OMIM 222700.

Allele frequency attached by ClinVar (database versions not stated): gnomAD exomes below 0.00001.
gnomAD v4.1: 4 of 1,613,800 alleles (0.00025%); highest among the groups gnomAD compares: Admixed American, 0.0067%; no homozygotes.

Submission:

Labcorp Genetics (formerly Invitae), Labcorp
Classification: Uncertain significance for Lysinuric protein intolerance. Last evaluated: 2021-09-24. Review status: criteria provided, single submitter. Criteria: Invitae Variant Classification Sherloc (09022015). Collection method: clinical testing. Allele origin: germline.
Comment: This sequence change replaces glutamic acid with lysine at codon 14 of the SLC7A7 protein (p.Glu14Lys). The glutamic acid residue is moderately conserved and there is a small physicochemical difference between glutamic acid and lysine. This variant is not present in population databases (ExAC no frequency). This variant has not been reported in the literature in individuals with SLC7A7-related conditions. Algorithms developed to predict the effect of missense changes on protein structure and function (SIFT, PolyPhen-2, Align-GVGD) all suggest that this variant is likely to be tolerated, but these predictions have not been confirmed by published functional studies and their clinical significance is uncertain. In summary, the available evidence is currently insufficient to determine the role of this variant in disease. Therefore, it has been classified as a Variant of Uncertain Significance.